The following is an entry in ClinVar:

NM_024652.6(LRRK1):c.740C>A (p.Pro247His)

Gene: LRRK1 (leucine rich repeat kinase 1; plus strand). Cytogenetic location: 15q26.3.
Variant type: single nucleotide variant.
Coding change: c.740C>A on transcript NM_024652.6 (MANE Select); coding-DNA position 740, C replaced by A.
Protein change: p.Pro247His; replaces proline 247 with histidine.
Molecular consequence: missense variant.
Genome position (GRCh38, 1-based): chr15:100,989,376, C>A. VCF-style: chr15-100989376-C-A. GRCh37 (hg19) VCF-style: chr15-101529581-C-A.
Other names: short protein forms P247H.
Identifiers: ClinVar variation 2141142 (VCV002141142.3), dbSNP rs924383338, ClinGen allele CA275596806.
Genomic context (GRCh38, chr15:100,989,376, plus strand): 5'-ATAGTCCTGACCCCAGCAAACATCTGCTGAGAAAGTACTTCATTGAAGCCAGTCCCTTGC[C>A]CAGCAGTTATCCGGGAAAAACAGTGAGTAGTCACTGCCTGTGGAGTGTGTTTTAGTTCCT-3'
Protein context (NP_078928.3, residues 237-257): RKYFIEASPL[Pro247His]SSYPGKTALR

ClinVar aggregate classification (germline): Uncertain significance (1 of 4 stars; one submission).

Allele frequency attached by ClinVar (database versions not stated): gnomAD 0.00001; TOPMed 0.00002.

Submission:

Labcorp Genetics (formerly Invitae), Labcorp
Classification: Uncertain significance. Last evaluated: 2022-06-13. Review status: criteria provided, single submitter. Criteria: Invitae Variant Classification Sherloc (09022015). Collection method: clinical testing. Allele origin: germline.
Comment: In summary, the available evidence is currently insufficient to determine the role of this variant in disease. Therefore, it has been classified as a Variant of Uncertain Significance. Algorithms developed to predict the effect of missense changes on protein structure and function are either unavailable or do not agree on the potential impact of this missense change (SIFT: "Deleterious"; PolyPhen-2: "Benign"; Align-GVGD: "Class C0"). This variant has not been reported in the literature in individuals affected with LRRK1-related conditions. This variant is not present in population databases (gnomAD no frequency). This sequence change replaces proline, which is neutral and non-polar, with histidine, which is basic and polar, at codon 247 of the LRRK1 protein (p.Pro247His).